The following is an entry in ClinVar:

ClinVar aggregate classification (germline): Uncertain significance. Review status: criteria provided, multiple submitters, no conflicts (2 of 4 stars). 2 submissions from 2 submitters: Uncertain significance (2). Last evaluated 2025-09-10.

Allele frequency attached by ClinVar (database versions not stated): gnomAD exomes below 0.00001 and 0.00001; ExAC 0.00001; TOPMed 0.00001.
gnomAD v4.1: 2 of 1,613,800 alleles (0.00012%); highest among the groups gnomAD compares: Non-Finnish European, 0.00017%; no homozygotes.

Submissions (2):

Ambry Genetics
Classification: Uncertain significance. Last evaluated: 2025-09-10. Review status: criteria provided, single submitter. Criteria: Ambry Variant Classification Scheme 2023. Collection method: clinical testing. Allele origin: germline.

Labcorp Genetics (formerly Invitae), Labcorp
Classification: Uncertain significance. Last evaluated: 2022-03-07. Review status: criteria provided, single submitter. Criteria: Invitae Variant Classification Sherloc (09022015). Collection method: clinical testing. Allele origin: germline.
Comment: This sequence change replaces glycine, which is neutral and non-polar, with arginine, which is basic and polar, at codon 402 of the IL2RB protein (p.Gly402Arg). This variant is present in population databases (rs761527107, gnomAD 0.0009%). This variant has not been reported in the literature in individuals affected with IL2RB-related conditions. Algorithms developed to predict the effect of missense changes on protein structure and function are either unavailable or do not agree on the potential impact of this missense change (SIFT: "Deleterious"; PolyPhen-2: "Benign"; Align-GVGD: "Class C0"). In summary, the available evidence is currently insufficient to determine the role of this variant in disease. Therefore, it has been classified as a Variant of Uncertain Significance.

NM_000878.5(IL2RB):c.1204G>A (p.Gly402Arg)

Gene: IL2RB (interleukin 2 receptor subunit beta; minus strand). Cytogenetic location: 22q12.3.
Variant type: single nucleotide variant.
Coding change: c.1204G>A on transcript NM_000878.5 (MANE Select); coding-DNA position 1204, G replaced by A.
Protein change: p.Gly402Arg; replaces glycine 402 with arginine.
Molecular consequence: missense variant.
Genome position (GRCh38, 1-based): chr22:37,128,548, C>T on the plus strand (G>A on the coding strand, the complement: IL2RB is on the minus strand). VCF-style: chr22-37128548-C-T. GRCh37 (hg19) VCF-style: chr22-37524588-C-T.
Other names: c.1204G>A, p.Gly402Arg (NM_001346222.1, NM_001346223.2); c.1204G>A (NM_000878.2); short protein forms G402R.
Identifiers: ClinVar variation 1466581 (VCV001466581.6), dbSNP rs761527107, ClinGen allele CA10216399.
Genomic context (GRCh38, chr22:37,128,548, plus strand): 5'-GGAAGGTGCAGTAGGCGTCGTCCTCCCCTGACAGAGGCTGCAGGGGTTGGGGGGAAGACC[C>T]TGTGGGTGCCCCGGCCACACCCTCATCAGGGTCTTCCTCTGAGTAGGGGTCGTAAGTAAA-3'
Protein context (NP_000869.1, residues 392-412): PDEGVAGAPT[Gly402Arg]SSPQPLQPLS